The following is an entry in ClinVar:

ClinVar aggregate classification (germline): Pathogenic. Review status: criteria provided, multiple submitters, no conflicts (2 of 4 stars). 3 submissions from 3 submitters: Pathogenic (2). 1 of the submissions does not count toward it. Last evaluated 2020-10-02.

Conditions:
Hereditary cancer-predisposing syndrome. Also called: Hereditary Cancer Syndrome; Hereditary neoplastic syndrome; Tumor predisposition; Neoplastic Syndromes, Hereditary. Identifiers: Orphanet 140162, MedGen C0027672, MeSH D009386, MONDO:0015356.
Bloom syndrome (BLM). Also called: Bloom-Torre-Machacek syndrome. Identifiers: Orphanet 125, MedGen C0005859, MONDO:0008876, OMIM 210900.

Submissions (3):

Labcorp Genetics (formerly Invitae), Labcorp
Classification: Pathogenic for Bloom syndrome. Last evaluated: 2020-10-02. Review status: criteria provided, single submitter. Criteria: Invitae Variant Classification Sherloc (09022015). Collection method: clinical testing. Allele origin: germline.
Comment: For these reasons, this variant has been classified as Pathogenic. This variant is not present in population databases (ExAC no frequency). This variant has not been reported in the literature in individuals with BLM-related conditions. ClinVar contains an entry for this variant (Variation ID: 550553). Loss-of-function variants in BLM are known to be pathogenic (PMID: 17407155). This sequence change creates a premature translational stop signal (p.Ala1167Argfs*5) in the BLM gene. It is expected to result in an absent or disrupted protein product.

Ambry Genetics
Classification: Pathogenic for Hereditary cancer-predisposing syndrome. Last evaluated: 2018-11-21. Review status: criteria provided, single submitter. Criteria: Ambry Variant Classification Scheme 2023. Collection method: clinical testing. Allele origin: germline.
Comment: The c.3499delG pathogenic mutation, located in coding exon 17 of the BLM gene, results from a deletion of one nucleotide at nucleotide position 3499, causing a translational frameshift with a predicted alternate stop codon (p.A1167Rfs*5). This alteration is expected to result in loss of function by premature protein truncation or nonsense-mediated mRNA decay. As such, this alteration is interpreted as a disease-causing mutation.

Counsyl
Classification: Likely pathogenic for Bloom syndrome. Last evaluated: 2017-01-31. Review status: no assertion criteria provided. Collection method: clinical testing. Allele origin: unknown. Not counted in ClinVar's aggregate classification.

Literature cited by the submitters: PubMed 17407155 (cited by Labcorp Genetics (formerly Invitae), Labcorp).

NM_000057.4(BLM):c.3499del (p.Ala1167fs)

Gene: BLM (BLM RecQ like helicase; plus strand). Cytogenetic location: 15q26.1.
Variant type: Deletion.
Coding change: c.3499del on transcript NM_000057.4 (MANE Select); coding-DNA position 3499, one base deleted (G; older notation c.3499delG).
Protein change: p.Ala1167fs; shifts the reading frame from alanine 1167.
Molecular consequence: frameshift variant. On other transcripts: intron variant (1).
Genome position (GRCh38, 1-based): chr15:90,803,661, G deleted; the last of 2 consecutive G bases (chr15:90,803,660-90,803,661); deleting either gives the same sequence. VCF-style (leftmost placement, unchanged base first): chr15-90803659-AG-A. GRCh37 (hg19) VCF-style: chr15-91346889-AG-A.
Other names: c.3499del (LRG_20t1); c.3499del, p.Ala1167fs (NM_001287246.2); c.2374del, p.Ala792fs (NM_001287248.2); c.3358+5324del (NM_001287247.2); short protein forms A1167fs, A792fs.
Identifiers: ClinVar variation 550553 (VCV000550553.13), dbSNP rs1555424305, ClinGen allele CA658824103.
Genomic context (GRCh38, chr15:90,803,659, plus strand): 5'-TTAAAAAGCTGATACTTGACAAGATTTTGGATGAAGACTTATATATCAATGCCAATGACC[AG>A]GCGATCGCTTATGTGATGCTCGGAAATAAAGCCCAAACTGTACTAAATGGCAATTTAAAG-3'